The following is an entry in ClinVar:

ClinVar aggregate classification (germline): Uncertain significance (1 of 4 stars; one submission).

Conditions:
Neuropathy, hereditary sensory, type 1F. Also called: Hereditary sensory neuropathy type IF; HSN IF. Identifiers: Orphanet 36386, MedGen C3810194, MONDO:0014286, OMIM 615632.

gnomAD v4.1: 2 of 1,611,254 alleles (0.00012%); highest among the groups gnomAD compares: East Asian, 0.0022%; no homozygotes.

Submission:

Labcorp Genetics (formerly Invitae), Labcorp
Classification: Uncertain significance for Neuropathy, hereditary sensory, type 1F. Last evaluated: 2024-03-12. Review status: criteria provided, single submitter. Criteria: Invitae Variant Classification Sherloc (09022015). Collection method: clinical testing. Allele origin: germline.
Comment: This sequence change replaces alanine, which is neutral and non-polar, with valine, which is neutral and non-polar, at codon 146 of the ATL3 protein (p.Ala146Val). This variant is not present in population databases (gnomAD no frequency). This variant has not been reported in the literature in individuals affected with ATL3-related conditions. Advanced modeling of protein sequence and biophysical properties (such as structural, functional, and spatial information, amino acid conservation, physicochemical variation, residue mobility, and thermodynamic stability) has been performed at Invitae for this missense variant, however the output from this modeling did not meet the statistical confidence thresholds required to predict the impact of this variant on ATL3 protein function. In summary, the available evidence is currently insufficient to determine the role of this variant in disease. Therefore, it has been classified as a Variant of Uncertain Significance.

NM_015459.5(ATL3):c.437C>T (p.Ala146Val)

Genes: ATL3 (atlastin GTPase 3; minus strand), LNCROPM (lncRNA regulator of PLAAT3 mediated phospholipid metabolism; plus strand). Cytogenetic location: 11q13.1.
Variant type: single nucleotide variant.
Coding change: c.437C>T on transcript NM_015459.5 (MANE Select); coding-DNA position 437, C replaced by T.
Protein change: p.Ala146Val; replaces alanine 146 with valine.
Molecular consequence: missense variant.
Genome position (GRCh38, 1-based): chr11:63,652,544, G>A on the plus strand (C>T on the coding strand, the complement: ATL3 is on the minus strand). VCF-style: chr11-63652544-G-A. GRCh37 (hg19) VCF-style: chr11-63420016-G-A.
Other names: c.383C>T, p.Ala128Val (NM_001290048.2); short protein forms A128V, A146V.
Identifiers: ClinVar variation 3613823 (VCV003613823.2).